The following is an entry in ClinVar:

ClinVar aggregate classification (germline): Uncertain significance. Review status: criteria provided, multiple submitters, no conflicts (2 of 4 stars). 2 submissions from 2 submitters: Uncertain significance (2). Last evaluated 2025-03-25.

Conditions:
Inborn genetic diseases. Identifiers: MedGen C0950123, MeSH D030342.

Allele frequency attached by ClinVar (database versions not stated): TOPMed 0.00001; gnomAD 0.00003; gnomAD exomes 0.00005.
gnomAD v4.1: 80 of 1,613,450 alleles (0.005%); highest among the groups gnomAD compares: Non-Finnish European, 0.0064%; 1 homozygote.

Submissions (2):

Ambry Genetics
Classification: Uncertain significance for Inborn genetic diseases. Last evaluated: 2025-03-25. Review status: criteria provided, single submitter. Criteria: Ambry Variant Classification Scheme 2023. Collection method: clinical testing. Allele origin: germline.

Labcorp Genetics (formerly Invitae), Labcorp
Classification: Uncertain significance. Last evaluated: 2022-03-05. Review status: criteria provided, single submitter. Criteria: Invitae Variant Classification Sherloc (09022015). Collection method: clinical testing. Allele origin: germline.
Comment: In summary, the available evidence is currently insufficient to determine the role of this variant in disease. Therefore, it has been classified as a Variant of Uncertain Significance. Algorithms developed to predict the effect of missense changes on protein structure and function are either unavailable or do not agree on the potential impact of this missense change (SIFT: "Deleterious"; PolyPhen-2: "Possibly Damaging"; Align-GVGD: "Class C0"). This variant has not been reported in the literature in individuals affected with TELO2-related conditions. The frequency data for this variant in the population databases is considered unreliable, as metrics indicate poor data quality at this position in the gnomAD database. This sequence change replaces arginine, which is basic and polar, with tryptophan, which is neutral and slightly polar, at codon 37 of the TELO2 protein (p.Arg37Trp).

NM_016111.4(TELO2):c.109C>T (p.Arg37Trp)

Gene: TELO2 (telomere maintenance 2; plus strand). Cytogenetic location: 16p13.3.
Variant type: single nucleotide variant.
Coding change: c.109C>T on transcript NM_016111.4 (MANE Select); coding-DNA position 109, C replaced by T.
Protein change: p.Arg37Trp; replaces arginine 37 with tryptophan.
Molecular consequence: missense variant.
Genome position (GRCh38, 1-based): chr16:1,494,390, C>T. VCF-style: chr16-1494390-C-T. GRCh37 (hg19) VCF-style: chr16-1544391-C-T.
Other names: c.109C>T, p.Arg37Trp (NM_001351846.2); c.109C>T (NM_016111.3); short protein forms R37W.
Identifiers: ClinVar variation 2167966 (VCV002167966.3), dbSNP rs1466279011, ClinGen allele CA394205332.